The following is an entry in ClinVar:

NM_000083.3(CLCN1):c.1648A>G (p.Thr550Ala)

Gene: CLCN1 (chloride voltage-gated channel 1; plus strand). Cytogenetic location: 7q34.
Variant type: single nucleotide variant.
Coding change: c.1648A>G on transcript NM_000083.3 (MANE Select); coding-DNA position 1648, A replaced by G.
Protein change: p.Thr550Ala; replaces threonine 550 with alanine.
Molecular consequence: missense variant. On other transcripts: non-coding transcript variant (1).
Genome position (GRCh38, 1-based): chr7:143,341,994, A>G. VCF-style: chr7-143341994-A-G. GRCh37 (hg19) VCF-style: chr7-143039087-A-G.
Other names: short protein forms T550A.
Identifiers: ClinVar variation 3340571 (VCV003340571.1).
Genomic context (GRCh38, chr7:143,341,994, plus strand): 5'-GCAGCGCTGACTGGTGCCGTTTCCCACACAGTCTCCACAGCTGTGATTTGCTTCGAATTA[A>G]CGGGTCAGATTGCTCACATCCTGCCCATGATGGTGGCTGTTATCTTGGCCAACATGGTGG-3'
Protein context (NP_000074.3, residues 540-560): VSTAVICFEL[Thr550Ala]GQIAHILPMM

ClinVar aggregate classification (germline): Likely pathogenic (1 of 4 stars; one submission).

Submission:

GeneDx
Classification: Likely pathogenic. Last evaluated: 2024-01-11. Review status: criteria provided, single submitter. Criteria: GeneDx Variant Classification Process June 2021. Collection method: clinical testing. Allele origin: germline. Affected: yes.
Comment: Reported in a patient with myotonia congenita who also harbored a second CLCN1 variant, however it is unknown if these variants were in cis or in trans (PMID: 29606556); Not observed at significant frequency in large population cohorts (gnomAD); In silico analysis supports that this missense variant has a deleterious effect on protein structure/function; This variant is associated with the following publications: (PMID: 29606556)